The following is an entry in ClinVar:

ClinVar aggregate classification (germline): Uncertain significance (1 of 4 stars; one submission).

Allele frequency attached by ClinVar (database versions not stated): gnomAD 0.00003; TOPMed 0.00003; gnomAD exomes 0.00004; ExAC 0.00006.
gnomAD v4.1: 68 of 1,613,734 alleles (0.0042%); highest among the groups gnomAD compares: Non-Finnish European, 0.0056%; no homozygotes.

Submission:

Labcorp Genetics (formerly Invitae), Labcorp
Classification: Uncertain significance. Last evaluated: 2025-09-03. Review status: criteria provided, single submitter. Criteria: Invitae Variant Classification Sherloc (09022015). Collection method: clinical testing. Allele origin: germline.
Comment: This sequence change replaces proline, which is neutral and non-polar, with arginine, which is basic and polar, at codon 408 of the COL4A2 protein (p.Pro408Arg). This variant is present in population databases (rs749949054, gnomAD 0.008%). This variant has not been reported in the literature in individuals affected with COL4A2-related conditions. ClinVar contains an entry for this variant (Variation ID: 2711452). Invitae Evidence Modeling of protein sequence and biophysical properties (such as structural, functional, and spatial information, amino acid conservation, physicochemical variation, residue mobility, and thermodynamic stability) indicates that this missense variant is not expected to disrupt COL4A2 protein function with a negative predictive value of 95%. In summary, the available evidence is currently insufficient to determine the role of this variant in disease. Therefore, it has been classified as a Variant of Uncertain Significance.

NM_001846.4(COL4A2):c.1223C>G (p.Pro408Arg)

Gene: COL4A2 (collagen type IV alpha 2 chain; plus strand). Cytogenetic location: 13q34.
Variant type: single nucleotide variant.
Coding change: c.1223C>G on transcript NM_001846.4 (MANE Select); coding-DNA position 1223, C replaced by G.
Protein change: p.Pro408Arg; replaces proline 408 with arginine.
Molecular consequence: missense variant.
Genome position (GRCh38, 1-based): chr13:110,450,338, C>G. VCF-style: chr13-110450338-C-G. GRCh37 (hg19) VCF-style: chr13-111102685-C-G.
Other names: short protein forms P408R.
Identifiers: ClinVar variation 2711452 (VCV002711452.3), dbSNP rs749949054, ClinGen allele CA7049349.